The following is an entry in ClinVar:

ClinVar aggregate classification (germline): Uncertain significance (1 of 4 stars; one submission).

Conditions:
Pyogenic arthritis-pyoderma gangrenosum-acne syndrome (PAPA). Also called: PAPA SYNDROME; FAMILIAL RECURRENT ARTHRITIS. Identifiers: Orphanet 69126, MedGen C1858361, MONDO:0011462, OMIM 604416.

Submission:

Labcorp Genetics (formerly Invitae), Labcorp
Classification: Uncertain significance for Pyogenic arthritis-pyoderma gangrenosum-acne syndrome. Last evaluated: 2025-06-27. Review status: criteria provided, single submitter. Criteria: Invitae Variant Classification Sherloc (09022015). Collection method: clinical testing. Allele origin: germline.
Comment: This sequence change replaces glutamine, which is neutral and polar, with histidine, which is basic and polar, at codon 404 of the PSTPIP1 protein (p.Gln404His). This variant is not present in population databases (gnomAD no frequency). This variant has not been reported in the literature in individuals affected with PSTPIP1-related conditions. Invitae Evidence Modeling of protein sequence and biophysical properties (such as structural, functional, and spatial information, amino acid conservation, physicochemical variation, residue mobility, and thermodynamic stability) indicates that this missense variant is not expected to disrupt PSTPIP1 protein function with a negative predictive value of 80%. In summary, the available evidence is currently insufficient to determine the role of this variant in disease. Therefore, it has been classified as a Variant of Uncertain Significance.

NM_003978.5(PSTPIP1):c.1212G>C (p.Gln404His)

Gene: PSTPIP1 (proline-serine-threonine phosphatase interacting protein 1; plus strand). Cytogenetic location: 15q24.3.
Variant type: single nucleotide variant.
Coding change: c.1212G>C on transcript NM_003978.5 (MANE Select); coding-DNA position 1212, G replaced by C.
Protein change: p.Gln404His; replaces glutamine 404 with histidine.
Molecular consequence: missense variant. On other transcripts: non-coding transcript variant (1).
Genome position (GRCh38, 1-based): chr15:77,037,137, G>C. VCF-style: chr15-77037137-G-C. GRCh37 (hg19) VCF-style: chr15-77329478-G-C.
Other names: c.1155G>C, p.Gln385His (NM_001321135.2); c.1185G>C, p.Gln395His (NM_001321136.2); c.1407G>C, p.Gln469His (NM_001321137.1); c.1203G>C, p.Gln401His (NM_001411086.1); short protein forms Q395H, Q401H, Q404H, Q469H, Q385H.
Identifiers: ClinVar variation 4736787 (VCV004736787.1).